The following is an entry in ClinVar:

NM_000122.2(ERCC3):c.1273C>T (p.Arg425Ter)

Gene: ERCC3 (ERCC excision repair 3, TFIIH core complex helicase subunit; minus strand). Cytogenetic location: 2q14.3.
Variant type: single nucleotide variant.
Coding change: c.1273C>T on transcript NM_000122.2 (MANE Select); coding-DNA position 1273, C replaced by T.
Protein change: p.Arg425Ter; replaces arginine 425 with a stop codon.
Molecular consequence: nonsense.
Genome position (GRCh38, 1-based): chr2:127,286,772, G>A on the plus strand (C>T on the coding strand, the complement: ERCC3 is on the minus strand). VCF-style: chr2-127286772-G-A. GRCh37 (hg19) VCF-style: chr2-128044348-G-A.
Other names: c.1081C>T, p.Arg361Ter (NM_001303416.2, NM_001303418.2); short protein forms R425*, R361*.
Identifiers: ClinVar variation 16585 (VCV000016585.14), dbSNP rs121913047, ClinGen allele CA257545.

ClinVar aggregate classification (germline): Pathogenic. Review status: criteria provided, multiple submitters, no conflicts (2 of 4 stars). 6 submissions from 6 submitters: Pathogenic (5). 1 of the submissions does not count toward it. Last evaluated 2024-11-05.

Conditions:
Trichothiodystrophy 2, photosensitive (TTD2). Identifiers: Orphanet 33364, MedGen C4225344, MONDO:0014615, OMIM 616390.
Xeroderma pigmentosum group B. Also called: XP, GROUP B; XPB/CS; XERODERMA PIGMENTOSUM B/COCKAYNE SYNDROME; ERCC3-Related Xeroderma Pigmentosum. Identifiers: MedGen C0268136, MONDO:0012531, OMIM 610651.
Inborn genetic diseases. Identifiers: MedGen C0950123, MeSH D030342.

Allele frequency attached by ClinVar (database versions not stated): ExAC 0.00002; TOPMed 0.00003.
gnomAD v4.1: 9 of 1,613,996 alleles (0.00056%); highest among the groups gnomAD compares: East Asian, 0.0022%; no homozygotes.

Submissions (6):

Labcorp Genetics (formerly Invitae), Labcorp
Classification: Pathogenic. Last evaluated: 2024-11-05. Review status: criteria provided, single submitter. Criteria: Invitae Variant Classification Sherloc (09022015). Collection method: clinical testing. Allele origin: germline.
Comment: This sequence change creates a premature translational stop signal (p.Arg425*) in the ERCC3 gene. It is expected to result in an absent or disrupted protein product. Loss-of-function variants in ERCC3 are known to be pathogenic (PMID: 16947863). This variant is present in population databases (rs121913047, gnomAD 0.002%). This premature translational stop signal has been observed in individual(s) with ERCC3-related conditions (PMID: 16947863, 26884178). ClinVar contains an entry for this variant (Variation ID: 16585). For these reasons, this variant has been classified as Pathogenic.

Genomic Research Center, Shahid Beheshti University of Medical Sciences
Classification: Pathogenic for Trichothiodystrophy 2, photosensitive. Last evaluated: 2024-05-06. Review status: criteria provided, single submitter. Criteria: ACMG Guidelines, 2015. Collection method: clinical testing. Allele origin: unknown.

Fulgent Genetics
Classification: Pathogenic for Xeroderma pigmentosum group B; Trichothiodystrophy 2, photosensitive. Last evaluated: 2024-04-12. Review status: criteria provided, single submitter. Criteria: ACMG Guidelines, 2015. Collection method: clinical testing. Allele origin: germline.

GeneDx
Classification: Pathogenic. Last evaluated: 2023-04-11. Review status: criteria provided, single submitter. Criteria: GeneDx Variant Classification Process June 2021. Collection method: clinical testing. Allele origin: germline. Affected: yes.
Comment: Reported in trans with a second ERCC3 variant in two sisters with features of xeroderma pigmentosa (Oh et al., 2006); Published functions studies demonstrate a damaging effect resulting in defective DNA repair activity (Oh et al., 2006); Nonsense variant predicted to result in protein truncation or nonsense mediated decay in a gene for which loss-of-function is a known mechanism of disease; Not observed at significant frequency in large population cohorts (gnomAD); This variant is associated with the following publications: (PMID: 25525159, 20947453, 26884178, 28588253, 29376097, 27004399, 19199647, 16947863, 26689913, 29625052)

Ambry Genetics
Classification: Pathogenic for Inborn genetic diseases. Last evaluated: 2022-07-21. Review status: criteria provided, single submitter. Criteria: Ambry Variant Classification Scheme 2023. Collection method: clinical testing. Allele origin: germline.
Comment: The c.1273C>T (p.R425*) alteration, located in exon 8 (coding exon 8) of the ERCC3 gene, consists of a C to T substitution at nucleotide position 1273. This changes the amino acid from a arginine (R) to a stop codon at amino acid position 425. This alteration is expected to result in loss of function by premature protein truncation or nonsense-mediated mRNA decay. Based on data from gnomAD, the T allele has an overall frequency of <0.01% (2/251402) total alleles studied. The highest observed frequency was <0.01% (2/113682) of European (non-Finnish) alleles. This alteration has been reported along with a second ERCC3 alteration in patients with features of ERCC3-related spectrum disorders (Garcia-Moreno, 2018; Oh, 2006). Functional studies show that this alteration leads to greatly reduced activity compared to wild type (Oh, 2006). Based on the available evidence, this alteration is classified as pathogenic.

OMIM
Classification: Pathogenic for XERODERMA PIGMENTOSUM B/COCKAYNE SYNDROME. Last evaluated: 2006-11-01. Review status: no assertion criteria provided. Collection method: literature only. Allele origin: germline. Not counted in ClinVar's aggregate classification.

Literature cited by the submitters: PubMed 16947863 (cited by 3 submitters); PubMed 26884178 (cited by Labcorp Genetics (formerly Invitae), Labcorp); PubMed 29376097 (cited by Ambry Genetics).